The following is an entry in ClinVar:

NC_000012.11:g.(?_33021841)_(33049685_?)dup

Genes: PKP2 (plakophilin 2; minus strand), LOC129390434 (MPRA-validated peak1670 silencer; plus strand). Cytogenetic location: 12p11.21.
Variant type: Duplication.
Identifiers: ClinVar variation 583817 (VCV000583817.2).

ClinVar aggregate classification (germline): Uncertain significance (1 of 4 stars; one submission).

Conditions:
Arrhythmogenic right ventricular dysplasia 9 (ARVD9). Also called: Arrhythmogenic Right Ventricular Dysplasia/Cardiomyopathy 9; ARRHYTHMOGENIC RIGHT VENTRICULAR DYSPLASIA, FAMILIAL, 9. Identifiers: MedGen C1836906, MONDO:0012180, OMIM 609040.

Submission:

Labcorp Genetics (formerly Invitae), Labcorp
Classification: Uncertain significance for Arrhythmogenic right ventricular cardiomyopathy, type 9. Last evaluated: 2018-01-31. Review status: criteria provided, single submitter. Criteria: Invitae Variant Classification Sherloc (09022015). Collection method: clinical testing. Allele origin: germline.
Comment: This variant is a gross duplication of the genomic region encompassing exons 1-4 of the PKP2 gene. The 5' end of this event is unknown as it extends beyond the assayed region for this gene and therefore may encompass additional genes. The 3' boundary is likely confined to intron 4 of the PKP2 gene. The exact location of this variant in the genome is unknown. This variant has not been reported in the literature in individuals with PKP2-related disease. In summary, the available evidence is currently insufficient to determine the role of this variant in disease. Therefore, it has been classified as a Variant of Uncertain Significance.